The following is an entry in ClinVar:

ClinVar aggregate classification (germline): Uncertain significance (1 of 4 stars; one submission).

Conditions:
Cardiovascular phenotype. Identifiers: MedGen CN230736.

gnomAD v4.1: 2 of 1,613,612 alleles (0.00012%); highest among the groups gnomAD compares: Non-Finnish European, 0.000085%; no homozygotes.

Submission:

Ambry Genetics
Classification: Uncertain significance for Cardiovascular phenotype. Last evaluated: 2026-01-10. Review status: criteria provided, single submitter. Criteria: Ambry Variant Classification Scheme 2023. Collection method: clinical testing. Allele origin: germline.
Comment: The p.H3708R variant (also known as c.11123A>G), located in coding exon 42 of the ANK2 gene, results from an A to G substitution at nucleotide position 11123. The histidine at codon 3708 is replaced by arginine, an amino acid with highly similar properties. This amino acid position is conserved. In addition, the in silico prediction for this alteration is inconclusive. Based on the available evidence, the clinical significance of this variant remains unclear.

NM_001148.6(ANK2):c.11123A>G (p.His3708Arg)

Gene: ANK2 (ankyrin 2; plus strand). Cytogenetic location: 4q26.
Variant type: single nucleotide variant.
Coding change: c.11123A>G on transcript NM_001148.6 (MANE Select); coding-DNA position 11123, A replaced by G.
Protein change: p.His3708Arg; replaces histidine 3708 with arginine.
Molecular consequence: missense variant.
Genome position (GRCh38, 1-based): chr4:113,367,656, A>G. VCF-style: chr4-113367656-A-G. GRCh37 (hg19) VCF-style: chr4-114288812-A-G.
Other names: c.4841A>G, p.His1614Arg (NM_001127493.3); c.4880A>G, p.His1627Arg (NM_001354225.2); c.4769A>G, p.His1590Arg (NM_001354228.2, NM_001354258.2); c.4847A>G, p.His1616Arg (NM_001354230.2); c.4910A>G, p.His1637Arg (NM_001354231.2, NM_001354242.2); c.4904A>G, p.His1635Arg (NM_001354232.2); c.4865A>G, p.His1622Arg (NM_001354235.2, NM_001354246.2, NM_001354265.2); c.4766A>G, p.His1589Arg (NM_001354236.2); and 35 more; short protein forms H1495R, H1523R, H1528R, H1548R, H1552R, H1561R, H1565R, H1602R.
Identifiers: ClinVar variation 4097074 (VCV004097074.2).